The following is an entry in ClinVar:

ClinVar aggregate classification (germline): Conflicting classifications of pathogenicity. Review status: criteria provided, conflicting classifications (1 of 4 stars). 2 submissions from 2 submitters: Uncertain significance (1); Likely benign (1). Last evaluated 2023-08-24.

Conditions:
Early-infantile DEE. Also called: Ohtahara syndrome; Early infantile epileptic encephalopathy with suppression bursts; Early infantile epileptic encephalopathy. Identifiers: Orphanet 1934, MedGen C0393706, MONDO:0800491.

Submissions (2):

GeneDx
Classification: Uncertain significance. Last evaluated: 2023-08-24. Review status: criteria provided, single submitter. Criteria: GeneDx Variant Classification Process June 2021. Collection method: clinical testing. Allele origin: germline. Affected: yes.
Comment: Not observed at significant frequency in large population cohorts (gnomAD); The majority of missense variants in this gene are considered pathogenic (HGMD); In silico analysis, which includes protein predictors and evolutionary conservation, supports a deleterious effect; This substitution is predicted to be within the extracellular loop between the S5 and S6 transmembrane segments of the first homologous domain; Has not been previously published as pathogenic or benign to our knowledge

Labcorp Genetics (formerly Invitae), Labcorp
Classification: Likely benign for Early-infantile DEE. Last evaluated: 2019-05-08. Review status: criteria provided, single submitter. Criteria: Invitae Variant Classification Sherloc (09022015). Collection method: clinical testing. Allele origin: germline.

NM_001330260.2(SCN8A):c.887G>A (p.Gly296Asp)

Gene: SCN8A (sodium voltage-gated channel alpha subunit 8; plus strand). Cytogenetic location: 12q13.13.
Variant type: single nucleotide variant.
Coding change: c.887G>A on transcript NM_001330260.2 (MANE Select); coding-DNA position 887, G replaced by A.
Protein change: p.Gly296Asp; replaces glycine 296 with aspartic acid.
Molecular consequence: missense variant.
Genome position (GRCh38, 1-based): chr12:51,699,750, G>A. VCF-style: chr12-51699750-G-A. GRCh37 (hg19) VCF-style: chr12-52093534-G-A.
Other names: c.887G>A, p.Gly296Asp (NM_001177984.3, NM_001369788.1, NM_014191.4); short protein forms G296D.
Identifiers: ClinVar variation 833747 (VCV000833747.14), dbSNP rs1941653003, ClinGen allele CA385226754.
Genomic context (GRCh38, chr12:51,699,750, plus strand): 5'-ACCTTCGAAACAAGTGTGTTGTGTGGCCCATAAACTTCAACGAGAGCTATCTTGAAAATG[G>A]CACCAAAGGCTTTGATTGGGAAGAGTATATCAACAATAAAAGTAGGTGGCCTCTTCTCTG-3'
Protein context (NP_001317189.1, residues 286-306): INFNESYLEN[Gly296Asp]TKGFDWEEYI